The following is an entry in ClinVar:

NM_015338.6(ASXL1):c.2096C>T (p.Pro699Leu)

Gene: ASXL1 (ASXL transcriptional regulator 1; plus strand). Cytogenetic location: 20q11.21.
Variant type: single nucleotide variant.
Coding change: c.2096C>T on transcript NM_015338.6 (MANE Select); coding-DNA position 2096, C replaced by T.
Protein change: p.Pro699Leu; replaces proline 699 with leucine.
Molecular consequence: missense variant.
Genome position (GRCh38, 1-based): chr20:32,434,808, C>T. VCF-style: chr20-32434808-C-T. GRCh37 (hg19) VCF-style: chr20-31022611-C-T.
Other names: c.1913C>T, p.Pro638Leu (NM_001363734.1); short protein forms P638L, P699L.
Identifiers: ClinVar variation 3955736 (VCV003955736.1).

ClinVar aggregate classification (germline): Uncertain significance (1 of 4 stars; one submission).

Conditions:
Inborn genetic diseases. Identifiers: MedGen C0950123, MeSH D030342.

Submission:

Ambry Genetics
Classification: Uncertain significance for Inborn genetic diseases. Last evaluated: 2025-04-04. Review status: criteria provided, single submitter. Criteria: Ambry Variant Classification Scheme 2023. Collection method: clinical testing. Allele origin: germline.
Comment: The p.P699L variant (also known as c.2096C>T), located in coding exon 13 of the ASXL1 gene, results from a C to T substitution at nucleotide position 2096. The proline at codon 699 is replaced by leucine, an amino acid with similar properties. This amino acid position is conserved. In addition, this alteration is predicted to be tolerated by in silico analysis. Based on the available evidence, the clinical significance of this variant remains unclear.